The following is an entry in ClinVar:

NM_139058.3(ARX):c.335C>G (p.Ala112Gly)

Genes: ARX (aristaless related homeobox; minus strand), LOC109610631 (aristaless related homeobox polyalanine expansion region; plus strand). Cytogenetic location: Xp21.3.
Variant type: single nucleotide variant.
Coding change: c.335C>G on transcript NM_139058.3 (MANE Select); coding-DNA position 335, C replaced by G.
Protein change: p.Ala112Gly; replaces alanine 112 with glycine.
Molecular consequence: missense variant.
Genome position (GRCh38, 1-based): chrX:25,013,660, G>C on the plus strand (C>G on the coding strand, the complement: ARX is on the minus strand). VCF-style: chrX-25013660-G-C. GRCh37 (hg19) VCF-style: chrX-25031777-G-C.
Other names: short protein forms A112G.
Identifiers: ClinVar variation 4822930 (VCV004822930.4).

ClinVar aggregate classification (germline): Uncertain significance (1 of 4 stars; one submission).

Submission:

CeGaT Center for Human Genetics Tuebingen
Classification: Uncertain significance. Last evaluated: 2026-01-01. Review status: criteria provided, single submitter. Criteria: CeGaT Center For Human Genetics Tuebingen Variant Classification Criteria Version 2. Collection method: clinical testing. Allele origin: germline. Affected: yes. Observed: 1 variant allele.
Comment: ARX: PM2